The following is an entry in ClinVar:

ClinVar aggregate classification (germline): Uncertain significance (1 of 4 stars; one submission).

Submission:

Labcorp Genetics (formerly Invitae), Labcorp
Classification: Uncertain significance. Last evaluated: 2022-05-24. Review status: criteria provided, single submitter. Criteria: Invitae Variant Classification Sherloc (09022015). Collection method: clinical testing. Allele origin: germline.
Comment: In summary, the available evidence is currently insufficient to determine the role of this variant in disease. Therefore, it has been classified as a Variant of Uncertain Significance. This variant disrupts a region of the ATP6V0A4 protein in which other variant(s) (p.Gly820Arg) have been observed in individuals with ATP6V0A4-related conditions (PMID: 10973252, 34159584). This suggests that this is a clinically significant region of the protein, and that variants that disrupt it are likely to be disease-causing. This variant is a gross deletion of the genomic region encompassing exon(s) 22 of the ATP6V0A4 gene, which includes the termination codon. This deletion extends beyond the assayed region for this gene and therefore may encompass additional genes. While this deletion is not anticipated to lead to nonsense mediated decay, it is expected to alter mRNA translation or result in a truncated protein product. This variant has not been reported in the literature in individuals affected with ATP6V0A4-related conditions.

Literature cited by the submitters: PubMed 10973252; PubMed 34159584.

NC_000007.13:g.(?_138391369)_(138391482_?)del

Gene: ATP6V0A4 (ATPase H+ transporting V0 subunit a4; minus strand). Cytogenetic location: 7q34.
Variant type: Deletion.
Identifiers: ClinVar variation 2426568 (VCV002426568.4).